The following is an entry in ClinVar:

NM_000548.5(TSC2):c.3745C>G (p.Leu1249Val)

Gene: TSC2 (TSC complex subunit 2; plus strand). Cytogenetic location: 16p13.3.
Variant type: single nucleotide variant.
Coding change: c.3745C>G on transcript NM_000548.5 (MANE Select); coding-DNA position 3745, C replaced by G.
Protein change: p.Leu1249Val; replaces leucine 1249 with valine.
Molecular consequence: missense variant.
Genome position (GRCh38, 1-based): chr16:2,081,729, C>G. VCF-style: chr16-2081729-C-G. GRCh37 (hg19) VCF-style: chr16-2131730-C-G.
Other names: c.3613C>G, p.Leu1205Val (NM_001077183.3, NM_001370404.1); c.3745C>G, p.Leu1249Val (NM_001114382.3); c.3505C>G, p.Leu1169Val (NM_001318827.2); c.3469C>G, p.Leu1157Val (NM_001318829.2); c.3013C>G, p.Leu1005Val (NM_001318831.2); c.3646C>G, p.Leu1216Val (NM_001318832.2); c.3616C>G, p.Leu1206Val (NM_001363528.2, NM_001370405.1, NM_021055.3); short protein forms L1157V, L1249V, L1205V, L1005V, L1169V, L1206V, L1216V.
Identifiers: ClinVar variation 1512638 (VCV001512638.8), dbSNP rs1596400436, ClinGen allele CA394293048.

ClinVar aggregate classification (germline): Uncertain significance (1 of 4 stars; one submission).

Conditions:
Tuberous sclerosis 2 (TSC2). Identifiers: Orphanet 805, MedGen C1860707, MONDO:0013199, OMIM 613254.

Submission:

Labcorp Genetics (formerly Invitae), Labcorp
Classification: Uncertain significance for Tuberous sclerosis 2. Last evaluated: 2021-02-21. Review status: criteria provided, single submitter. Criteria: Invitae Variant Classification Sherloc (09022015). Collection method: clinical testing. Allele origin: germline.
Comment: In summary, the available evidence is currently insufficient to determine the role of this variant in disease. Therefore, it has been classified as a Variant of Uncertain Significance. Advanced modeling of protein sequence and biophysical properties (such as structural, functional, and spatial information, amino acid conservation, physicochemical variation, residue mobility, and thermodynamic stability) performed at Invitae indicates that this missense variant is not expected to disrupt TSC2 protein function. This variant has not been reported in the literature in individuals with TSC2-related conditions. This variant is not present in population databases (ExAC no frequency). This sequence change replaces leucine with valine at codon 1249 of the TSC2 protein (p.Leu1249Val). The leucine residue is moderately conserved and there is a small physicochemical difference between leucine and valine.